The following is an entry in ClinVar:

ClinVar aggregate classification (germline): Likely benign. Review status: criteria provided, multiple submitters, no conflicts (2 of 4 stars). 2 submissions from 2 submitters: Likely benign (2). Last evaluated 2026-07-09.

Conditions:
KARS1-related disorder. Also called: KARS1-related disorders.

Allele frequency attached by ClinVar (database versions not stated): ExAC 0.00006; gnomAD 0.00008 and 0.00009; gnomAD exomes 0.00008 and 0.00017; TOPMed 0.00008; ESP Exome Variant Server 0.00015.
gnomAD v4.1: 259 of 1,613,890 alleles (0.016%); highest among the groups gnomAD compares: Non-Finnish European, 0.021%; no homozygotes.

Submissions (2):

PreventionGenetics, part of Exact Sciences
Classification: Likely benign for KARS1-related condition. Last evaluated: 2026-07-09. Review status: criteria provided, single submitter. Criteria: ACMG Guidelines, 2015. Collection method: clinical testing. Allele origin: germline.
Comment: This variant is classified as likely benign based on ACMG/AMP sequence variant interpretation guidelines (Richards et al. 2015 PMID: 25741868, with internal and published modifications).

Labcorp Genetics (formerly Invitae), Labcorp
Classification: Likely benign. Last evaluated: 2025-07-09. Review status: criteria provided, single submitter. Criteria: Invitae Variant Classification Sherloc (09022015). Collection method: clinical testing. Allele origin: germline.

NM_005548.3(KARS1):c.123A>G (p.Lys41=)

Gene: KARS1 (lysyl-tRNA synthetase 1; minus strand). Cytogenetic location: 16q23.1.
Variant type: single nucleotide variant.
Coding change: c.123A>G on transcript NM_005548.3 (MANE Select); coding-DNA position 123, A replaced by G.
Protein change: p.Lys41=; no amino-acid change (lysine 41 retained).
Molecular consequence: synonymous variant. On other transcripts: 5 prime UTR variant (1).
Genome position (GRCh38, 1-based): chr16:75,641,663, T>C on the plus strand (A>G on the coding strand, the complement: KARS1 is on the minus strand). VCF-style: chr16-75641663-T-C. GRCh37 (hg19) VCF-style: chr16-75675561-T-C.
Other names: c.207A>G (NM_001130089.1); c.207A>G, p.Lys69= (NM_001130089.2); c.-346A>G (NM_001378148.1).
Identifiers: ClinVar variation 1682454 (VCV001682454.10), dbSNP rs11557668, ClinGen allele CA8177744.